The following is an entry in ClinVar:

NM_005908.4(MANBA):c.2633T>C (p.Ile878Thr)

Gene: MANBA (mannosidase beta; minus strand). Cytogenetic location: 4q24.
Variant type: single nucleotide variant.
Coding change: c.2633T>C on transcript NM_005908.4 (MANE Select); coding-DNA position 2633, T replaced by C.
Protein change: p.Ile878Thr; replaces isoleucine 878 with threonine.
Molecular consequence: missense variant.
Genome position (GRCh38, 1-based): chr4:102,632,064, A>G on the plus strand (T>C on the coding strand, the complement: MANBA is on the minus strand). VCF-style: chr4-102632064-A-G. GRCh37 (hg19) VCF-style: chr4-103553221-A-G.
Other names: c.2633T>C (NM_005908.3); short protein forms I878T.
Identifiers: ClinVar variation 1395651 (VCV001395651.6), dbSNP rs145756079, ClinGen allele CA3026582.

ClinVar aggregate classification (germline): Uncertain significance. Review status: criteria provided, multiple submitters, no conflicts (2 of 4 stars). 2 submissions from 2 submitters: Uncertain significance (2). Last evaluated 2024-10-06.

Conditions:
Beta-D-mannosidosis (MANSB). Also called: MANNOSIDOSIS, BETA A, LYSOSOMAL; BETA-MANNOSIDASE DEFICIENCY; LYSOSOMAL BETA-MANNOSIDASE DEFICIENCY; Beta-Mannosidosis. Identifiers: Orphanet 118, MedGen C4048196, MONDO:0009562, OMIM 248510.
Inborn genetic diseases. Identifiers: MedGen C0950123, MeSH D030342.

Allele frequency attached by ClinVar (database versions not stated): gnomAD 0.00018 and 0.00015; gnomAD exomes 0.00002 and 0.00005; TOPMed 0.00022; ExAC 0.00007; ESP Exome Variant Server 0.00023.
gnomAD v4.1: 55 of 1,595,836 alleles (0.0034%); highest among the groups gnomAD compares: African/African-American, 0.064%; no homozygotes.

Submissions (2):

Ambry Genetics
Classification: Uncertain significance for Inborn genetic diseases. Last evaluated: 2024-10-06. Review status: criteria provided, single submitter. Criteria: Ambry Variant Classification Scheme 2023. Collection method: clinical testing. Allele origin: germline.

Labcorp Genetics (formerly Invitae), Labcorp
Classification: Uncertain significance for Beta-D-mannosidosis. Last evaluated: 2022-07-23. Review status: criteria provided, single submitter. Criteria: Invitae Variant Classification Sherloc (09022015). Collection method: clinical testing. Allele origin: germline.
Comment: This sequence change replaces isoleucine, which is neutral and non-polar, with threonine, which is neutral and polar, at codon 878 of the MANBA protein (p.Ile878Thr). This variant is present in population databases (rs145756079, gnomAD 0.07%). This variant has not been reported in the literature in individuals affected with MANBA-related conditions. ClinVar contains an entry for this variant (Variation ID: 1395651). Algorithms developed to predict the effect of missense changes on protein structure and function output the following: SIFT: "Tolerated"; PolyPhen-2: "Benign"; Align-GVGD: "Class C0". The threonine amino acid residue is found in multiple mammalian species, which suggests that this missense change does not adversely affect protein function. In summary, the available evidence is currently insufficient to determine the role of this variant in disease. Therefore, it has been classified as a Variant of Uncertain Significance.